The following is an entry in ClinVar:

ClinVar aggregate classification (germline): Benign/Likely benign. Review status: criteria provided, multiple submitters, no conflicts (2 of 4 stars). 3 submissions from 3 submitters: Benign (1); Likely benign (2). Last evaluated 2025-03-24.

Conditions:
Peutz-Jeghers syndrome (PJS). Also called: Peutz-Jeghers polyposis; Periorificial lentiginosis syndrome; POLYPOSIS, HAMARTOMATOUS INTESTINAL; POLYPS-AND-SPOTS SYNDROME. Identifiers: Orphanet 2869, MedGen C0031269, MeSH D010580, MONDO:0008280, OMIM 175200.
Hereditary cancer-predisposing syndrome. Also called: Neoplastic Syndromes, Hereditary; Hereditary neoplastic syndrome; Hereditary Cancer Syndrome; Tumor predisposition. Identifiers: Orphanet 140162, MedGen C0027672, MeSH D009386, MONDO:0015356.

Submissions (3):

Myriad Genetics, Inc.
Classification: Benign for Peutz-Jeghers syndrome. Last evaluated: 2025-03-24. Review status: criteria provided, single submitter. Criteria: Myriad Autosomal Dominant, Autosomal Recessive and X-Linked Classification Criteria (2023). Collection method: clinical testing. Allele origin: unknown.
Comment: This variant is considered benign. This variant is a silent/synonymous amino acid change and it is not expected to impact splicing.

Ambry Genetics
Classification: Likely benign for Hereditary cancer-predisposing syndrome. Last evaluated: 2024-05-20. Review status: criteria provided, single submitter. Criteria: Ambry Variant Classification Scheme 2023. Collection method: clinical testing. Allele origin: germline.

Labcorp Genetics (formerly Invitae), Labcorp
Classification: Likely benign for Peutz-Jeghers syndrome. Last evaluated: 2023-09-25. Review status: criteria provided, single submitter. Criteria: Invitae Variant Classification Sherloc (09022015). Collection method: clinical testing. Allele origin: germline.

NM_000455.5(STK11):c.72G>A (p.Thr24=)

Gene: STK11 (serine/threonine kinase 11; plus strand). Cytogenetic location: 19p13.3.
Variant type: single nucleotide variant.
Coding change: c.72G>A on transcript NM_000455.5 (MANE Select); coding-DNA position 72, G replaced by A.
Protein change: p.Thr24=; no amino-acid change (threonine 24 retained).
Molecular consequence: synonymous variant.
Genome position (GRCh38, 1-based): chr19:1,206,985, G>A. VCF-style: chr19-1206985-G-A. GRCh37 (hg19) VCF-style: chr19-1206984-G-A.
Other names: c.72G>A (NM_000455.4).
Identifiers: ClinVar variation 1579553 (VCV001579553.10), dbSNP rs2145404738, ClinGen allele CA504706094.